The following is an entry in ClinVar:

NM_004656.4(BAP1):c.1813G>T (p.Glu605Ter)

Gene: BAP1 (BRCA1 associated deubiquitinase 1; minus strand). Cytogenetic location: 3p21.1.
Variant type: single nucleotide variant.
Coding change: c.1813G>T on transcript NM_004656.4 (MANE Select); coding-DNA position 1813, G replaced by T.
Protein change: p.Glu605Ter; replaces glutamic acid 605 with a stop codon.
Molecular consequence: nonsense.
Genome position (GRCh38, 1-based): chr3:52,403,215, C>A on the plus strand (G>T on the coding strand, the complement: BAP1 is on the minus strand). VCF-style: chr3-52403215-C-A. GRCh37 (hg19) VCF-style: chr3-52437231-C-A.
Other names: c.1759G>T, p.Glu587Ter (NM_001410772.1); short protein forms E605*, E587*.
Identifiers: ClinVar variation 3655509 (VCV003655509.2).

ClinVar aggregate classification (germline): Pathogenic (1 of 4 stars; one submission).

Conditions:
BAP1-related tumor predisposition syndrome (TPDS1). Also called: Tumor susceptibility linked to germline BAP1 mutations; COMMON Syndrome; TUMOR PREDISPOSITION SYNDROME 1; BAP1 tumor predisposition syndrome. Identifiers: Orphanet 289539, MedGen C3280492, MONDO:0013692, OMIM 614327.

Submission:

Labcorp Genetics (formerly Invitae), Labcorp
Classification: Pathogenic for BAP1-related tumor predisposition syndrome. Last evaluated: 2024-06-04. Review status: criteria provided, single submitter. Criteria: Invitae Variant Classification Sherloc (09022015). Collection method: clinical testing. Allele origin: germline.
Comment: This sequence change creates a premature translational stop signal (p.Glu605*) in the BAP1 gene. It is expected to result in an absent or disrupted protein product. Loss-of-function variants in BAP1 are known to be pathogenic (PMID: 21874000, 23684012). This variant is not present in population databases (gnomAD no frequency). This variant has not been reported in the literature in individuals affected with BAP1-related conditions. For these reasons, this variant has been classified as Pathogenic.

Literature cited by the submitters: PubMed 21874000; PubMed 23684012.